The following is an entry in ClinVar:

ClinVar aggregate classification (germline): Uncertain significance. Review status: criteria provided, multiple submitters, no conflicts (2 of 4 stars). 2 submissions from 2 submitters: Uncertain significance (2). Last evaluated 2022-10-05.

Conditions:
Medulloblastoma (MDB). Also called: MEDULLOBLASTOMA PREDISPOSITION SYNDROME; Medulloblastoma, somatic. Identifiers: Orphanet 616, MedGen C0025149, MeSH D008527, MONDO:0007959, OMIM 155255, HP:0002885.
Gorlin syndrome. Also called: Basal cell nevus syndrome; Nevoid Basal Cell Carcinoma Syndrome. Identifiers: Orphanet 377, MedGen C0004779, MONDO:0007187.
Hereditary cancer-predisposing syndrome. Also called: Hereditary Cancer Syndrome; Hereditary neoplastic syndrome; Neoplastic Syndromes, Hereditary; Tumor predisposition. Identifiers: Orphanet 140162, MedGen C0027672, MeSH D009386, MONDO:0015356.

Allele frequency attached by ClinVar (database versions not stated): gnomAD exomes below 0.00001; ExAC 0.00001.
gnomAD v4.1: 2 of 1,614,086 alleles (0.00012%); highest among the groups gnomAD compares: South Asian, 0.0022%; no homozygotes.

Submissions (2):

Labcorp Genetics (formerly Invitae), Labcorp
Classification: Uncertain significance for Gorlin syndrome; Medulloblastoma. Last evaluated: 2022-10-05. Review status: criteria provided, single submitter. Criteria: Invitae Variant Classification Sherloc (09022015). Collection method: clinical testing. Allele origin: germline.
Comment: This sequence change replaces glutamine, which is neutral and polar, with arginine, which is basic and polar, at codon 375 of the SUFU protein (p.Gln375Arg). This variant is present in population databases (rs769345450, gnomAD 0.006%). This variant has not been reported in the literature in individuals affected with SUFU-related conditions. Advanced modeling of protein sequence and biophysical properties (such as structural, functional, and spatial information, amino acid conservation, physicochemical variation, residue mobility, and thermodynamic stability) performed at Invitae indicates that this missense variant is not expected to disrupt SUFU protein function. In summary, the available evidence is currently insufficient to determine the role of this variant in disease. Therefore, it has been classified as a Variant of Uncertain Significance.

Ambry Genetics
Classification: Uncertain significance for Hereditary cancer-predisposing syndrome. Last evaluated: 2022-05-12. Review status: criteria provided, single submitter. Criteria: Ambry Variant Classification Scheme 2023. Collection method: clinical testing. Allele origin: germline.
Comment: The p.Q375R variant (also known as c.1124A>G), located in coding exon 9 of the SUFU gene, results from an A to G substitution at nucleotide position 1124. The glutamine at codon 375 is replaced by arginine, an amino acid with highly similar properties. This amino acid position is conserved. In addition, the in silico prediction for this alteration is inconclusive. Since supporting evidence is limited at this time, the clinical significance of this alteration remains unclear.

NM_016169.4(SUFU):c.1124A>G (p.Gln375Arg)

Gene: SUFU (SUFU negative regulator of hedgehog signaling; plus strand). Cytogenetic location: 10q24.32.
Variant type: single nucleotide variant.
Coding change: c.1124A>G on transcript NM_016169.4 (MANE Select); coding-DNA position 1124, A replaced by G.
Protein change: p.Gln375Arg; replaces glutamine 375 with arginine.
Molecular consequence: missense variant.
Genome position (GRCh38, 1-based): chr10:102,615,369, A>G. VCF-style: chr10-102615369-A-G. GRCh37 (hg19) VCF-style: chr10-104375126-A-G.
Other names: c.1124A>G, p.Gln375Arg (NM_001178133.2); short protein forms Q375R.
Identifiers: ClinVar variation 1721058 (VCV001721058.8), dbSNP rs769345450, ClinGen allele CA5667872.